The following is an entry in ClinVar:

ClinVar aggregate classification (germline): Uncertain significance. Review status: criteria provided, multiple submitters, no conflicts (2 of 4 stars). 2 submissions from 2 submitters: Uncertain significance (2). Last evaluated 2025-03-26.

Allele frequency attached by ClinVar (database versions not stated): TOPMed below 0.00001; gnomAD 0.00001.

Submissions (2):

Ambry Genetics
Classification: Uncertain significance. Last evaluated: 2025-03-26. Review status: criteria provided, single submitter. Criteria: Ambry Variant Classification Scheme 2023. Collection method: clinical testing. Allele origin: germline.

Labcorp Genetics (formerly Invitae), Labcorp
Classification: Uncertain significance. Last evaluated: 2022-06-24. Review status: criteria provided, single submitter. Criteria: Invitae Variant Classification Sherloc (09022015). Collection method: clinical testing. Allele origin: germline.
Comment: This sequence change replaces histidine, which is basic and polar, with tyrosine, which is neutral and polar, at codon 110 of the RFWD3 protein (p.His110Tyr). This variant is not present in population databases (gnomAD no frequency). This variant has not been reported in the literature in individuals affected with RFWD3-related conditions. Algorithms developed to predict the effect of missense changes on protein structure and function (SIFT, PolyPhen-2, Align-GVGD) all suggest that this variant is likely to be tolerated. In summary, the available evidence is currently insufficient to determine the role of this variant in disease. Therefore, it has been classified as a Variant of Uncertain Significance.

NM_018124.4(RFWD3):c.328C>T (p.His110Tyr)

Gene: RFWD3 (ring finger and WD repeat domain 3; minus strand). Cytogenetic location: 16q23.1.
Variant type: single nucleotide variant.
Coding change: c.328C>T on transcript NM_018124.4 (MANE Select); coding-DNA position 328, C replaced by T.
Protein change: p.His110Tyr; replaces histidine 110 with tyrosine.
Molecular consequence: missense variant. On other transcripts: 5 prime UTR variant (4), intron variant (1).
Genome position (GRCh38, 1-based): chr16:74,661,122, G>A on the plus strand (C>T on the coding strand, the complement: RFWD3 is on the minus strand). VCF-style: chr16-74661122-G-A. GRCh37 (hg19) VCF-style: chr16-74695020-G-A.
Other names: c.328C>T, p.His110Tyr (NM_001370534.1, NM_001370535.1, NM_001370536.1); c.-681C>T (NM_001370537.1); c.-304C>T (NM_001370539.1, NM_001370541.1); c.-558C>T (NM_001370542.1); c.-436C>T (NM_001370543.1); c.-317+3502C>T (NM_001370540.1); c.328C>T (NM_018124.3); short protein forms H110Y.
Identifiers: ClinVar variation 2187498 (VCV002187498.5), dbSNP rs1961397140, ClinGen allele CA396764143.